The following is an entry in ClinVar:

ClinVar aggregate classification (germline): Benign/Likely benign. Review status: criteria provided, multiple submitters, no conflicts (2 of 4 stars). 3 submissions from 3 submitters: Benign (1); Likely benign (2). Last evaluated 2026-01-26.

Allele frequency attached by ClinVar (database versions not stated): gnomAD exomes 0.00022 and 0.00064; ExAC 0.00080; ESP Exome Variant Server 0.00208; gnomAD 0.00296 and 0.00315; TOPMed 0.00303; 1000 Genomes Project 30x 0.00328; 1000 Genomes Project 0.00379.
gnomAD v4.1: 774 of 1,612,546 alleles (0.048%); highest among the groups gnomAD compares: African/African-American, 0.92%; 3 homozygotes.

Submissions (3):

Labcorp Genetics (formerly Invitae), Labcorp
Classification: Benign. Last evaluated: 2026-01-26. Review status: criteria provided, single submitter. Criteria: Invitae Variant Classification Sherloc (09022015). Collection method: clinical testing. Allele origin: germline.

Mayo Clinic Laboratories, Mayo Clinic
Classification: Likely benign. Last evaluated: 2025-09-09. Review status: criteria provided, single submitter. Criteria: ACMG Guidelines, 2015. Collection method: clinical testing. Allele origin: germline. Observed: 3 variant alleles.
Comment: BS1, BP4, BP7

GeneDx
Classification: Likely benign. Last evaluated: 2018-01-22. Review status: criteria provided, single submitter. Criteria: GeneDx Variant Classification (06012015). Collection method: clinical testing. Allele origin: germline. Affected: yes.
Comment: This variant is considered likely benign or benign based on one or more of the following criteria: it is a conservative change, it occurs at a poorly conserved position in the protein, it is predicted to be benign by multiple in silico algorithms, and/or has population frequency not consistent with disease.

NM_000443.4(ABCB4):c.536+11T>C

Gene: ABCB4 (ATP binding cassette subfamily B member 4; minus strand). Cytogenetic location: 7q21.12.
Variant type: single nucleotide variant.
Coding change: c.536+11T>C on transcript NM_000443.4 (MANE Select); 11 bases into the intron after coding-DNA position 536, T replaced by C.
Molecular consequence: intron variant.
Genome position (GRCh38, 1-based): chr7:87,452,933, A>G on the plus strand (T>C on the coding strand, the complement: ABCB4 is on the minus strand). VCF-style: chr7-87452933-A-G. GRCh37 (hg19) VCF-style: chr7-87082249-A-G.
Other names: p.?; c.536+11T>C (NM_018850.3, NM_018849.3).
Identifiers: ClinVar variation 516411 (VCV000516411.10), dbSNP rs8187790, ClinGen allele CA4327518.